The following is an entry in ClinVar:

NM_001452.2(FOXF2):c.240C>T (p.Gly80=)

Genes: FOXF2 (forkhead box F2; plus strand), FOXF2-DT (FOXF2 divergent transcript; minus strand). Cytogenetic location: 6p25.3.
Variant type: single nucleotide variant.
Coding change: c.240C>T on transcript NM_001452.2 (MANE Select); coding-DNA position 240, C replaced by T.
Protein change: p.Gly80=; no amino-acid change (glycine 80 retained).
Molecular consequence: synonymous variant.
Genome position (GRCh38, 1-based): chr6:1,390,187, C>T. VCF-style: chr6-1390187-C-T. GRCh37 (hg19) VCF-style: chr6-1390422-C-T.
Identifiers: ClinVar variation 3044929 (VCV003044929.2), dbSNP rs752829267, ClinGen allele CA448392767.

ClinVar aggregate classification (germline): Likely benign (0 of 4 stars; one submission).

Conditions:
FOXF2-related disorder. Also called: FOXF2-related condition.

Allele frequency attached by ClinVar (database versions not stated): gnomAD exomes below 0.00001.
gnomAD v4.1: 1 of 1,474,794 alleles (0.000068%); highest among the groups gnomAD compares: Non-Finnish European, 0.00009%; no homozygotes.

Submission:

PreventionGenetics, part of Exact Sciences
Classification: Likely benign for FOXF2-related condition. Last evaluated: 2024-01-04. Review status: no assertion criteria provided. Collection method: clinical testing. Allele origin: germline.
Comment: This variant is classified as likely benign based on ACMG/AMP sequence variant interpretation guidelines (Richards et al. 2015 PMID: 25741868, with internal and published modifications).